The following is an entry in ClinVar:

NM_001204.7(BMPR2):c.2318T>G (p.Phe773Cys)

Gene: BMPR2 (bone morphogenetic protein receptor type 2; plus strand). Cytogenetic location: 2q33.2.
Variant type: single nucleotide variant.
Coding change: c.2318T>G on transcript NM_001204.7 (MANE Select); coding-DNA position 2318, T replaced by G.
Protein change: p.Phe773Cys; replaces phenylalanine 773 with cysteine.
Molecular consequence: missense variant.
Genome position (GRCh38, 1-based): chr2:202,555,983, T>G. VCF-style: chr2-202555983-T-G. GRCh37 (hg19) VCF-style: chr2-203420706-T-G.
Other names: short protein forms F773C.
Identifiers: ClinVar variation 4867602 (VCV004867602.1).

ClinVar aggregate classification (germline): Uncertain significance (1 of 4 stars; one submission).

Conditions:
Inborn genetic diseases. Identifiers: MedGen C0950123, MeSH D030342.

gnomAD v4.1: 1 of 1,614,048 alleles (0.000062%); no homozygotes.

Submission:

Ambry Genetics
Classification: Uncertain significance for Inborn genetic diseases. Last evaluated: 2026-04-12. Review status: criteria provided, single submitter. Criteria: Ambry Variant Classification Scheme 2023. Collection method: clinical testing. Allele origin: germline.
Comment: The p.F773C variant (also known as c.2318T>G), located in coding exon 12 of the BMPR2 gene, results from a T to G substitution at nucleotide position 2318. The phenylalanine at codon 773 is replaced by cysteine, an amino acid with highly dissimilar properties. This amino acid position is conserved. In addition, this alteration is predicted to be deleterious by in silico analysis. Based on the available evidence, the clinical significance of this variant remains unclear.